The following is an entry in ClinVar:

ClinVar aggregate classification (germline): Conflicting classifications of pathogenicity. Review status: criteria provided, conflicting classifications (1 of 4 stars). 6 submissions from 6 submitters: Uncertain significance (1); Benign (3); Likely benign (2). Last evaluated 2026-01-29.

Conditions:
LAMA2-related muscular dystrophy (LAMA2-RD). Also called: Laminin alpha 2-related dystrophy. Identifiers: MedGen C5679788, MONDO:0100228.
Congenital muscular dystrophy due to partial LAMA2 deficiency. Identifiers: MedGen C1842898.

Allele frequency attached by ClinVar (database versions not stated): gnomAD 0.00003; TOPMed 0.00006; 1000 Genomes Project 30x 0.00219; 1000 Genomes Project 0.00240.
gnomAD v4.1: 705 of 1,614,054 alleles (0.044%); highest among the groups gnomAD compares: South Asian, 0.7%; 14 homozygotes.

Submissions (6):

Labcorp Genetics (formerly Invitae), Labcorp
Classification: Benign for LAMA2-related muscular dystrophy. Last evaluated: 2026-01-29. Review status: criteria provided, single submitter. Criteria: Invitae Variant Classification Sherloc (09022015). Collection method: clinical testing. Allele origin: germline.

GeneDx
Classification: Likely benign. Last evaluated: 2020-03-06. Review status: criteria provided, single submitter. Criteria: GeneDx Variant Classification Process June 2021. Collection method: clinical testing. Allele origin: germline. Affected: yes.

Illumina Laboratory Services, Illumina
Classification: Likely benign for Congenital muscular dystrophy due to partial LAMA2 deficiency. Last evaluated: 2018-01-13. Review status: criteria provided, single submitter. Criteria: ICSL Variant Classification Criteria 13 December 2019. Collection method: clinical testing. Allele origin: germline.
Comment: This variant was observed in the ICSL laboratory as part of a predisposition screen in an ostensibly healthy population. It had not been previously curated by ICSL or reported in the Human Gene Mutation Database (HGMD: prior to June 1st, 2018), and was therefore a candidate for classification through an automated scoring system. Utilizing variant allele frequency, disease prevalence and penetrance estimates, and inheritance mode, an automated score was calculated to assess if this variant is too frequent to cause the disease. Based on the score and internal cut-off values, a variant classified as likely benign is not then subjected to further curation. The score for this variant resulted in a classification of likely benign for this disease.

CeGaT Center for Human Genetics Tuebingen
Classification: Uncertain significance. Last evaluated: 2016-10-01. Review status: criteria provided, single submitter. Criteria: CeGaT Center For Human Genetics Tuebingen Variant Classification Criteria Version 2. Collection method: clinical testing. Allele origin: germline. Affected: yes. Observed: 1 variant allele.

Genetic Services Laboratory, University of Chicago
Classification: Benign. Last evaluated: 2016-07-12. Review status: criteria provided, single submitter. Criteria: ACMG Guidelines, 2015. Collection method: clinical testing. Allele origin: germline. Affected: no.

Eurofins Ntd Llc (ga)
Classification: Benign. Last evaluated: 2016-06-07. Review status: criteria provided, single submitter. Criteria: EGL Classification Definitions 2015. Collection method: clinical testing. Allele origin: germline. Observed: 1 variant allele, 1 heterozygote.

NM_000426.4(LAMA2):c.5688C>T (p.His1896=)

Gene: LAMA2 (laminin subunit alpha 2; plus strand). Cytogenetic location: 6q22.33.
Variant type: single nucleotide variant.
Coding change: c.5688C>T on transcript NM_000426.4 (MANE Select); coding-DNA position 5688, C replaced by T.
Protein change: p.His1896=; no amino-acid change (histidine 1896 retained).
Molecular consequence: synonymous variant.
Genome position (GRCh38, 1-based): chr6:129,402,449, C>T. VCF-style: chr6-129402449-C-T. GRCh37 (hg19) VCF-style: chr6-129723594-C-T.
Other names: c.5688C>T, p.His1896= (NM_001079823.2).
Identifiers: ClinVar variation 167244 (VCV000167244.66), dbSNP rs573779258, ClinGen allele CA208811.